The following is an entry in ClinVar:

ClinVar aggregate classification (germline): Conflicting classifications of pathogenicity. Review status: criteria provided, conflicting classifications (1 of 4 stars). 5 submissions from 5 submitters: Uncertain significance (4); Likely benign (1). Last evaluated 2025-06-18.

Conditions:
Dyskeratosis congenita, autosomal dominant 2. Identifiers: MedGen C3151443, MONDO:0013521, OMIM 613989.
Idiopathic Pulmonary Fibrosis. Also called: Idiopathic fibrosing alveolitis, chronic form; idiopathic fibrosing alveolitis. Identifiers: Orphanet 2032, MedGen C1800706, MeSH D054990, MONDO:0800504.
Dyskeratosis congenita. Identifiers: Orphanet 1775, MedGen C0265965, MONDO:0015780.

Allele frequency attached by ClinVar (database versions not stated): gnomAD exomes 0.00003; gnomAD 0.00005; TOPMed 0.00005; ExAC 0.00006.
gnomAD v4.1: 49 of 1,609,152 alleles (0.003%); highest among the groups gnomAD compares: Middle Eastern, 0.017%; no homozygotes.

Submissions (5):

Labcorp Genetics (formerly Invitae), Labcorp
Classification: Likely benign for Dyskeratosis congenita, autosomal dominant 2; Idiopathic Pulmonary Fibrosis. Last evaluated: 2025-06-18. Review status: criteria provided, single submitter. Criteria: Invitae Variant Classification Sherloc (09022015). Collection method: clinical testing. Allele origin: germline.

Ambry Genetics
Classification: Uncertain significance for Dyskeratosis congenita. Last evaluated: 2025-01-14. Review status: criteria provided, single submitter. Criteria: Ambry Variant Classification Scheme 2023. Collection method: clinical testing. Allele origin: germline.
Comment: The p.T1101M variant (also known as c.3302C>T), located in coding exon 16 of the TERT gene, results from a C to T substitution at nucleotide position 3302. The threonine at codon 1101 is replaced by methionine, an amino acid with similar properties. This amino acid position is poorly conserved in available vertebrate species. In addition, this alteration is predicted to be tolerated by in silico analysis. Based on the available evidence, the clinical significance of this variant remains unclear.

GeneDx
Classification: Uncertain significance. Last evaluated: 2024-09-12. Review status: criteria provided, single submitter. Criteria: GeneDx Variant Classification Process June 2021. Collection method: clinical testing. Allele origin: germline. Affected: yes.
Comment: In silico analysis indicates that this missense variant does not alter protein structure/function; Published functional demonstrate no increase in oxidative DNA damage, ability to recruit TRF2 to telomeres, response to DNA damage and ability to induce apoptosis similar to wild-type, however also significantly increased reactive oxygen species (PMID: 38641551); This variant is associated with the following publications: (PMID: 38641551)

ARUP Laboratories, Molecular Genetics and Genomics, ARUP Laboratories
Classification: Uncertain significance. Last evaluated: 2024-05-29. Review status: criteria provided, single submitter. Criteria: ARUP Molecular Germline Variant Investigation Process 2024. Collection method: clinical testing. Allele origin: germline.

Sema4
Classification: Uncertain significance for Dyskeratosis congenita. Last evaluated: 2021-05-28. Review status: criteria provided, single submitter. Criteria: Sema4 Curation Guidelines. Collection method: curation. Allele origin: germline.
Comment: The TERT c.3302C>T (p.T1101M) variant has not been reported in the literature to our knowledge. It was observed in 6/122416 chromosomes in the Non-Finnish European subpopulation in the large and broad cohorts of the Genome Aggregation Database (PMID: 32461654). The variant has been reported in ClinVar (Variation ID: 471888). In silico tools suggest the impact of the variant on protein function is inconclusive, though these predictions have not been confirmed by functional studies. The evidence is insufficient to meet ACMG/AMP criteria for classifying the variant as benign or pathogenic. Thus, the clinical significance of this variant is currently uncertain.

NM_198253.3(TERT):c.3302C>T (p.Thr1101Met)

Gene: TERT (telomerase reverse transcriptase; minus strand). Cytogenetic location: 5p15.33.
Variant type: single nucleotide variant.
Coding change: c.3302C>T on transcript NM_198253.3 (MANE Select); coding-DNA position 3302, C replaced by T.
Protein change: p.Thr1101Met; replaces threonine 1101 with methionine.
Molecular consequence: missense variant. On other transcripts: non-coding transcript variant (2).
Genome position (GRCh38, 1-based): chr5:1,253,825, G>A on the plus strand (C>T on the coding strand, the complement: TERT is on the minus strand). VCF-style: chr5-1253825-G-A. GRCh37 (hg19) VCF-style: chr5-1253940-G-A.
Other names: c.3113C>T, p.Thr1038Met (NM_001193376.3); short protein forms T1101M, T1038M.
Identifiers: ClinVar variation 471888 (VCV000471888.19), dbSNP rs764602705, ClinGen allele CA3184216.